The following is an entry in ClinVar:

ClinVar aggregate classification (germline): Conflicting classifications of pathogenicity. Review status: criteria provided, conflicting classifications (1 of 4 stars). 6 submissions from 6 submitters: Uncertain significance (5); Likely benign (1). Last evaluated 2025-05-19.

Conditions:
Hereditary cancer-predisposing syndrome. Also called: Tumor predisposition; Hereditary Cancer Syndrome; Hereditary neoplastic syndrome; Neoplastic Syndromes, Hereditary. Identifiers: Orphanet 140162, MedGen C0027672, MeSH D009386, MONDO:0015356.
Hereditary breast ovarian cancer syndrome. Also called: Hereditary breast and ovarian cancer; Breast and ovarian cancer; BRCA1- and BRCA2-Associated Hereditary Breast and Ovarian Cancer; Hereditary breast and ovarian cancer syndrome; Hereditary breast and ovarian cancer syndrome (HBOC); Hereditary breast and/or ovarian cancer syndrome. Identifiers: Orphanet 145, MedGen C0677776, MeSH D061325, MONDO:0003582. Disease mechanism: loss of function.
Familial cancer of breast. Also called: hereditary breast carcinoma; BREAST CANCER, FAMILIAL; Hereditary breast cancer. Identifiers: Orphanet 227535, MedGen C0346153, MONDO:0016419, OMIM 114480. Disease mechanism: loss of function.
Breast-ovarian cancer, familial, susceptibility to, 2 (BROVCA2). Also called: BRCA2 Hereditary Breast and Ovarian Cancer. Identifiers: Orphanet 145, MedGen C2675520, MONDO:0012933, OMIM 612555. Disease mechanism: loss of function.

Submissions (6):

Ambry Genetics
Classification: Likely benign for Hereditary cancer-predisposing syndrome. Last evaluated: 2025-05-19. Review status: criteria provided, single submitter. Criteria: Ambry Variant Classification Scheme 2023. Collection method: clinical testing. Allele origin: germline.

Labcorp Genetics (formerly Invitae), Labcorp
Classification: Uncertain significance for Hereditary breast ovarian cancer syndrome. Last evaluated: 2025-02-21. Review status: criteria provided, single submitter. Criteria: Invitae Variant Classification Sherloc (09022015). Collection method: clinical testing. Allele origin: germline.
Comment: This sequence change replaces alanine, which is neutral and non-polar, with threonine, which is neutral and polar, at codon 2595 of the BRCA2 protein (p.Ala2595Thr). This variant is not present in population databases (gnomAD no frequency). This variant has not been reported in the literature in individuals affected with BRCA2-related conditions. ClinVar contains an entry for this variant (Variation ID: 234184). Invitae Evidence Modeling of protein sequence and biophysical properties (such as structural, functional, and spatial information, amino acid conservation, physicochemical variation, residue mobility, and thermodynamic stability) indicates that this missense variant is not expected to disrupt BRCA2 protein function with a negative predictive value of 95%. In summary, the available evidence is currently insufficient to determine the role of this variant in disease. Therefore, it has been classified as a Variant of Uncertain Significance.

GeneDx
Classification: Uncertain significance. Last evaluated: 2023-10-04. Review status: criteria provided, single submitter. Criteria: GeneDx Variant Classification Process June 2021. Collection method: clinical testing. Allele origin: germline. Affected: yes.
Comment: Observed in individuals referred for hereditary cancer multi-gene panel testing (Li et al., 2020); Not observed at significant frequency in large population cohorts (gnomAD); In silico analysis supports that this missense variant does not alter protein structure/function; Also known as 8011G>A; This variant is associated with the following publications: (PMID: 12228710, 32377563, 31853058, 29884841, 31911673)

Baylor Genetics
Classification: Uncertain significance for Familial cancer of breast. Last evaluated: 2023-06-13. Review status: criteria provided, single submitter. Criteria: ACMG Guidelines, 2015. Collection method: clinical testing. Allele origin: unknown.

Color Diagnostics, LLC DBA Color Health
Classification: Uncertain significance for Hereditary cancer-predisposing syndrome. Last evaluated: 2019-04-17. Review status: criteria provided, single submitter. Criteria: ACMG Guidelines, 2015. Collection method: clinical testing. Allele origin: germline.

Institute of Human Genetics, University of Leipzig Medical Center
Classification: Uncertain significance for Breast-ovarian cancer, familial, susceptibility to, 2. Last evaluated: 2018-06-14. Review status: criteria provided, single submitter. Criteria: ACMG Guidelines, 2015. Collection method: clinical testing. Allele origin: germline. Affected: yes. Observed: 1 variant allele.

NM_000059.4(BRCA2):c.7783G>A (p.Ala2595Thr)

Gene: BRCA2 (BRCA2 DNA repair associated; plus strand). Cytogenetic location: 13q13.1.
Variant type: single nucleotide variant.
Coding change: c.7783G>A on transcript NM_000059.4 (MANE Select); coding-DNA position 7783, G replaced by A.
Protein change: p.Ala2595Thr; replaces alanine 2595 with threonine.
Molecular consequence: missense variant.
Genome position (GRCh38, 1-based): chr13:32,357,907, G>A. VCF-style: chr13-32357907-G-A. GRCh37 (hg19) VCF-style: chr13-32932044-G-A.
Other names: short protein forms A2595T.
Identifiers: ClinVar variation 234184 (VCV000234184.19), dbSNP rs80359007, ClinGen allele CA10579755.